The following is an entry in ClinVar:

ClinVar aggregate classification (germline): Conflicting classifications of pathogenicity. Review status: criteria provided, conflicting classifications (1 of 4 stars). 2 submissions from 2 submitters: Uncertain significance (1); Likely benign (1). Last evaluated 2025-10-22.

Allele frequency attached by ClinVar (database versions not stated): gnomAD 0.00025 and 0.00028; ESP Exome Variant Server 0.00031; TOPMed 0.00034.
gnomAD v4.1: 67 of 1,614,132 alleles (0.0042%); highest among the groups gnomAD compares: African/African-American, 0.084%; no homozygotes.

Submissions (2):

Labcorp Genetics (formerly Invitae), Labcorp
Classification: Likely benign. Last evaluated: 2025-10-22. Review status: criteria provided, single submitter. Criteria: Invitae Variant Classification Sherloc (09022015). Collection method: clinical testing. Allele origin: germline.

GeneDx
Classification: Uncertain significance. Last evaluated: 2016-10-06. Review status: criteria provided, single submitter. Criteria: GeneDx Variant Classification (06012015). Collection method: clinical testing. Allele origin: germline. Affected: yes.
Comment: A variant of uncertain significance has been identified in the ARFGEF2 gene. The c.2686-16 C>A variant has not been published as a pathogenic variant, nor has it been reported as a benign variant to our knowledge. The c.2686-16 C>A variant was not observed with any significant frequency in approximately 6,500 individuals of European and African American ancestry in the NHLBI Exome Sequencing Project. Several in-silico splice prediction models predict that c.2686-16 C>A may damage or destroy the natural acceptor site and lead to abnormal gene splicing. However, in the absence of RNA/functional studies, the actual effect of this sequence change in this individual is unknown. Additionally, this substitution occurs at a position not conserved. Therefore, based on the currently available information, it is unclear whether this variant is a pathogenic variant or a rare benign variant.

NM_006420.3(ARFGEF2):c.2686-16C>A

Gene: ARFGEF2 (ARF guanine nucleotide exchange factor 2; plus strand). Cytogenetic location: 20q13.13.
Variant type: single nucleotide variant.
Coding change: c.2686-16C>A on transcript NM_006420.3 (MANE Select); 16 bases into the intron before coding-DNA position 2686, C replaced by A.
Molecular consequence: intron variant.
Genome position (GRCh38, 1-based): chr20:48,989,540, C>A. VCF-style: chr20-48989540-C-A. GRCh37 (hg19) VCF-style: chr20-47606077-C-A.
Identifiers: ClinVar variation 389702 (VCV000389702.10), dbSNP rs370562126, ClinGen allele CA9898715.